The following is an entry in ClinVar:

ClinVar aggregate classification (germline): Likely benign. Review status: criteria provided, single submitter (1 of 4 stars). 2 submissions from 2 submitters: Likely benign (1). 1 of the submissions does not count toward it. Last evaluated 2023-06-02.

Conditions:
PLXNA1-related disorder. Also called: PLXNA1-related condition.

Allele frequency attached by ClinVar (database versions not stated): gnomAD 0.00001; 1000 Genomes Project 30x 0.00016; 1000 Genomes Project 0.00020.
gnomAD v4.1: 5 of 1,593,258 alleles (0.00031%); highest among the groups gnomAD compares: East Asian, 0.0022%; no homozygotes.

Submissions (2):

Labcorp Genetics (formerly Invitae), Labcorp
Classification: Likely benign. Last evaluated: 2023-06-02. Review status: criteria provided, single submitter. Criteria: Invitae Variant Classification Sherloc (09022015). Collection method: clinical testing. Allele origin: germline.

PreventionGenetics, part of Exact Sciences
Classification: Likely benign for PLXNA1-related condition. Last evaluated: 2022-07-19. Review status: no assertion criteria provided. Collection method: clinical testing. Allele origin: germline. Not counted in ClinVar's aggregate classification.
Comment: This variant is classified as likely benign based on ACMG/AMP sequence variant interpretation guidelines (Richards et al. 2015 PMID: 25741868, with internal and published modifications).

NM_032242.4(PLXNA1):c.1626G>A (p.Ser542=)

Gene: PLXNA1 (plexin A1; plus strand). Cytogenetic location: 3q21.3.
Variant type: single nucleotide variant.
Coding change: c.1626G>A on transcript NM_032242.4 (MANE Select); coding-DNA position 1626, G replaced by A.
Protein change: p.Ser542=; no amino-acid change (serine 542 retained).
Molecular consequence: synonymous variant.
Genome position (GRCh38, 1-based): chr3:127,004,891, G>A. VCF-style: chr3-127004891-G-A. GRCh37 (hg19) VCF-style: chr3-126723734-G-A.
Other names: c.1626G>A (NM_032242.3).
Identifiers: ClinVar variation 3018724 (VCV003018724.4), dbSNP rs530023945, ClinGen allele CA83295881.